The following is an entry in ClinVar:

NM_015488.5(PNKD):c.466-3C>A

Genes: CATIP-AS2 (CATIP antisense RNA 2; minus strand), PNKD (PNKD metallo-beta-lactamase domain containing; plus strand). Cytogenetic location: 2q35.
Variant type: single nucleotide variant.
Coding change: c.466-3C>A on transcript NM_015488.5 (MANE Select); 3 bases into the intron before coding-DNA position 466, C replaced by A.
Molecular consequence: intron variant.
Genome position (GRCh38, 1-based): chr2:218,340,725, C>A. VCF-style: chr2-218340725-C-A. GRCh37 (hg19) VCF-style: chr2-219205448-C-A.
Other names: c.394-3C>A (NM_022572.4).
Identifiers: ClinVar variation 334317 (VCV000334317.29), dbSNP rs370929830, ClinGen allele CA2103972.

ClinVar aggregate classification (germline): Conflicting classifications of pathogenicity. Review status: criteria provided, conflicting classifications (1 of 4 stars). 6 submissions from 6 submitters: Uncertain significance (3); Benign (1); Likely benign (2). Last evaluated 2026-01-12.

Conditions:
Paroxysmal nonkinesigenic dyskinesia. Also called: Paroxysmal non-kinesigenic dyskinesia. Identifiers: Orphanet 98810, MedGen C1869117, MONDO:0700088.
Young-onset Parkinson disease. Identifiers: Orphanet 2828, MedGen C4275179, MONDO:0017279.
Paroxysmal nonkinesigenic dyskinesia 1 (PNKD1). Also called: Familial Paroxysmal Nonkinesigenic Dyskinesia; Nonkinesigenic choreoathetosis; Familial paroxysmal choreoathetosis; MOUNT-REBACK SYNDROME; PAROXYSMAL DYSTONIC CHOREOATHETOSIS; PxMD-PNKD. Identifiers: Orphanet 98810, MedGen C4551506, MONDO:0700089, OMIM 118800, MONDO:0007326.

Allele frequency attached by ClinVar (database versions not stated): ESP Exome Variant Server 0.00008; ExAC 0.00005; gnomAD exomes 0.00016 and 0.00008; gnomAD 0.00011 and 0.00010; TOPMed 0.00015.

Submissions (7):

Labcorp Genetics (formerly Invitae), Labcorp
Classification: Likely benign for Paroxysmal nonkinesigenic dyskinesia. Last evaluated: 2026-01-12. Review status: criteria provided, single submitter. Criteria: Invitae Variant Classification Sherloc (09022015). Collection method: clinical testing. Allele origin: germline.

CeGaT Center for Human Genetics Tuebingen
Classification: Uncertain significance. Last evaluated: 2025-05-01. Review status: criteria provided, single submitter. Criteria: CeGaT Center For Human Genetics Tuebingen Variant Classification Criteria Version 2. Collection method: clinical testing. Allele origin: germline. Affected: yes. Observed: 1 variant allele.
Comment: PNKD: PP3

Blueprint Genetics
Classification: Likely benign. Last evaluated: 2024-11-19. Review status: criteria provided, single submitter. Criteria: ACMG Guidelines, 2015. Collection method: clinical testing. Allele origin: germline.

GeneDx
Classification: Uncertain significance. Last evaluated: 2022-05-25. Review status: criteria provided, single submitter. Criteria: GeneDx Variant Classification Process June 2021. Collection method: clinical testing. Allele origin: germline. Affected: yes.
Comment: In silico analysis supports a deleterious effect on splicing; Has not been previously published as pathogenic or benign to our knowledge

Cambridge Genomics Laboratory, East Genomic Laboratory Hub, NHS Genomic Medicine Service
Classification: Uncertain significance for Young-onset Parkinson disease. Last evaluated: 2020-03-20. Review status: criteria provided, single submitter. Criteria: ACGS Best Practice Guidelines for Variant Classification in Rare Disease 2020. Collection method: clinical testing. Allele origin: germline. Affected: yes. Observed: 1 variant allele.

Illumina Laboratory Services, Illumina
Classification: Benign for Paroxysmal nonkinesigenic dyskinesia 1. Last evaluated: 2018-01-12. Review status: criteria provided, single submitter. Criteria: ICSL Variant Classification Criteria 13 December 2019. Collection method: clinical testing. Allele origin: germline.
Comment: This variant was observed in the ICSL laboratory as part of a predisposition screen in an ostensibly healthy population. It had not been previously curated by ICSL or reported in the Human Gene Mutation Database (HGMD: prior to June 1st, 2018), and was therefore a candidate for classification through an automated scoring system. Utilizing variant allele frequency, disease prevalence and penetrance estimates, and inheritance mode, an automated score was calculated to assess if this variant is too frequent to cause the disease. Based on the score and internal cut-off values, a variant classified as benign is not then subjected to further curation. The score for this variant resulted in a classification of benign for this disease.

Dr. Peter K. Rogan Lab, Western University
No classification provided (evidence only). Condition: Cervical cancer. Review status: no classification provided. Collection method: in vitro. Allele origin: not applicable. Functional consequence: retained intron. Not counted in ClinVar's aggregate classification.